The following is an entry in ClinVar:

NM_012330.4(KAT6B):c.5201_5210dup (p.Gln1737fs)

Gene: KAT6B (lysine acetyltransferase 6B; plus strand). Cytogenetic location: 10q22.2.
Variant type: Duplication.
Coding change: c.5201_5210dup on transcript NM_012330.4 (MANE Select); coding-DNA positions 5201 to 5210, 10 bases duplicated (TGCTGCAGCA; older notation c.5201_5210dupTGCTGCAGCA).
Protein change: p.Gln1737fs; shifts the reading frame from glutamine 1737.
Molecular consequence: frameshift variant.
Genome position (GRCh38, 1-based): chr10:75,030,025-75,030,034, TGCTGCAGCA duplicated; duplicating any 10 consecutive bases within chr10:75,030,016-75,030,034 gives the same sequence; the c. name uses the placement nearest the transcript's 3' end. VCF-style (leftmost placement, unchanged base first): chr10-75030015-A-AGCTGCAGCAT. GRCh37 (hg19) VCF-style: chr10-76789773-A-AGCTGCAGCAT.
Other names: c.4652_4661dup, p.Gln1554fs (NM_001256468.2, NM_001370138.1); c.4325_4334dup, p.Gln1445fs (NM_001256469.2, NM_001370139.1, NM_001370140.1 and 2 more transcripts); c.4163_4172dup, p.Gln1391fs (NM_001370132.1); c.3512_3521dup, p.Gln1174fs (NM_001370133.1); c.3116_3125dup, p.Gln1042fs (NM_001370134.1); c.2858_2867dup, p.Gln956fs (NM_001370135.1); c.5201_5210dup, p.Gln1737fs (NM_001370136.1, NM_001370137.1); c.4136_4145dup, p.Gln1382fs (NM_001370143.1, NM_001370144.1); short protein forms Q1391fs, Q1737fs, Q1174fs, Q1554fs, Q1042fs, Q1445fs, Q956fs, Q1382fs.
Identifiers: ClinVar variation 39002 (VCV000039002.5), dbSNP rs199470482, ClinGen allele CA232614.

ClinVar aggregate classification (germline): Pathogenic. Review status: criteria provided, multiple submitters, no conflicts (2 of 4 stars). 4 submissions from 4 submitters: Pathogenic (2). 2 of the submissions do not count toward it. Last evaluated 2023-06-27.

Conditions:
Blepharophimosis - intellectual disability syndrome, SBBYS type (SBBYSS). Also called: SBBYSS syndrome; Young Simpson syndrome; Mental retardation unusual facies hypothyroidism; Say-Barber-Biesecker-Young-Simpson syndrome; Say-Barber-Biesecker variant of Ohdo syndrome (SBBYSS); Ohdo syndrome, SBBYS variant. Identifiers: Orphanet 3047, MedGen C1863557, MONDO:0011365, OMIM 603736.

Submissions (4):

GeneDx
Classification: Pathogenic. Last evaluated: 2023-06-27. Review status: criteria provided, single submitter. Criteria: GeneDx Variant Classification Process June 2021. Collection method: clinical testing. Allele origin: germline. Affected: yes.
Comment: Frameshift variant predicted to result in protein truncation, as the last 337 amino acids are replaced with 40 different amino acids, and other loss-of-function variants have been reported downstream in HGMD; Not observed at significant frequency in large population cohorts (gnomAD); This variant is associated with the following publications: (PMID: 22077973, 27696664)

Center of Genomic medicine, Geneva, University Hospital of Geneva
Classification: Pathogenic for Blepharophimosis - intellectual disability syndrome, SBBYS type. Last evaluated: 2015-03-16. Review status: criteria provided, single submitter. Criteria: ACMG Guidelines, 2015. Collection method: clinical testing. Allele origin: de novo. Affected: yes. Study: Final Reports_Cases2015_1.
Comment: Mutations in the KAT6B gene are well known to be involved in the Ohdo/SBBYS syndrome.

GeneReviews
No classification provided. Condition: Blepharophimosis - intellectual disability syndrome, SBBYS type. Review status: no classification provided. Collection method: literature only. Allele origin: germline. Not counted in ClinVar's aggregate classification.

Lee Lab(KAT6B), Baylor College of Medicine
No classification provided. Review status: no classification provided. Collection method: not provided. Allele origin: unknown. Not counted in ClinVar's aggregate classification.

Literature cited by the submitters: PubMed 22077973 (cited by Center of Genomic medicine, Geneva, University Hospital of Geneva and GeneReviews); PubMed 27696664 (cited by GeneReviews); PubMed 23236640 (cited by GeneReviews).